The following is an entry in ClinVar:

ClinVar aggregate classification (germline): Uncertain significance. Review status: criteria provided, multiple submitters, no conflicts (2 of 4 stars). 3 submissions from 3 submitters: Uncertain significance (3). Last evaluated 2025-04-17.

Conditions:
Hereditary cancer-predisposing syndrome. Also called: Neoplastic Syndromes, Hereditary; Hereditary neoplastic syndrome; Hereditary Cancer Syndrome; Tumor predisposition. Identifiers: Orphanet 140162, MedGen C0027672, MeSH D009386, MONDO:0015356.
POLD1-related polyposis and colorectal cancer syndrome (CRCS10). Also called: Colorectal cancer, susceptibility to, 10; Colorectal cancer 10; COLORECTAL CANCER, SUSCEPTIBILITY TO, ON CHROMOSOME 19q. Identifiers: Orphanet 220460, MedGen C2675481, MONDO:0012953, OMIM 612591.

Allele frequency attached by ClinVar (database versions not stated): TOPMed below 0.00001.

Submissions (3):

Labcorp Genetics (formerly Invitae), Labcorp
Classification: Uncertain significance for POLD1-related polyposis and colorectal cancer syndrome. Last evaluated: 2025-04-17. Review status: criteria provided, single submitter. Criteria: Invitae Variant Classification Sherloc (09022015). Collection method: clinical testing. Allele origin: germline.
Comment: This sequence change replaces glutamine, which is neutral and polar, with histidine, which is basic and polar, at codon 336 of the POLD1 protein (p.Gln336His). This variant is not present in population databases (gnomAD no frequency). This variant has not been reported in the literature in individuals affected with POLD1-related conditions. ClinVar contains an entry for this variant (Variation ID: 408022). Invitae Evidence Modeling of protein sequence and biophysical properties (such as structural, functional, and spatial information, amino acid conservation, physicochemical variation, residue mobility, and thermodynamic stability) indicates that this missense variant is expected to disrupt POLD1 protein function with a positive predictive value of 80%. In summary, the available evidence is currently insufficient to determine the role of this variant in disease. Therefore, it has been classified as a Variant of Uncertain Significance.

Ambry Genetics
Classification: Uncertain significance for Hereditary cancer-predisposing syndrome. Last evaluated: 2024-02-23. Review status: criteria provided, single submitter. Criteria: Ambry Variant Classification Scheme 2023. Collection method: clinical testing. Allele origin: germline.
Comment: The p.Q336H variant (also known as c.1008G>T), located in coding exon 8 of the POLD1 gene, results from a G to T substitution at nucleotide position 1008. The glutamine at codon 336 is replaced by histidine, an amino acid with highly similar properties. This amino acid position is well conserved in available vertebrate species. In addition, the in silico prediction for this alteration is inconclusive. Since supporting evidence is limited at this time, the clinical significance of this alteration remains unclear.

Baylor Genetics
Classification: Uncertain significance for POLD1-related polyposis and colorectal cancer syndrome. Last evaluated: 2023-10-06. Review status: criteria provided, single submitter. Criteria: ACMG Guidelines, 2015. Collection method: clinical testing. Allele origin: unknown.

NM_002691.4(POLD1):c.1008G>T (p.Gln336His)

Gene: POLD1 (DNA polymerase delta 1, catalytic subunit; plus strand). Cytogenetic location: 19q13.33.
Variant type: single nucleotide variant.
Coding change: c.1008G>T on transcript NM_002691.4 (MANE Select); coding-DNA position 1008, G replaced by T.
Protein change: p.Gln336His; replaces glutamine 336 with histidine.
Molecular consequence: missense variant. On other transcripts: non-coding transcript variant (1).
Genome position (GRCh38, 1-based): chr19:50,403,090, G>T. VCF-style: chr19-50403090-G-T. GRCh37 (hg19) VCF-style: chr19-50906347-G-T.
Other names: c.1008G>T, p.Gln336His (NM_001256849.1, NM_001308632.1); short protein forms Q336H.
Identifiers: ClinVar variation 408022 (VCV000408022.12), dbSNP rs1060501825, ClinGen allele CA16616115.